The following is an entry in ClinVar:

ClinVar aggregate classification (germline): Uncertain significance (1 of 4 stars; one submission).

Submission:

Labcorp Genetics (formerly Invitae), Labcorp
Classification: Uncertain significance. Last evaluated: 2025-09-28. Review status: criteria provided, single submitter. Criteria: Invitae Variant Classification Sherloc (09022015). Collection method: clinical testing. Allele origin: germline.
Comment: This sequence change replaces arginine, which is basic and polar, with tryptophan, which is neutral and slightly polar, at codon 789 of the LEMD3 protein (p.Arg789Trp). This variant is not present in population databases (gnomAD no frequency). This variant has not been reported in the literature in individuals affected with LEMD3-related conditions. Invitae Evidence Modeling of protein sequence and biophysical properties (such as structural, functional, and spatial information, amino acid conservation, physicochemical variation, residue mobility, and thermodynamic stability) indicates that this missense variant is expected to disrupt LEMD3 protein function with a positive predictive value of 80%. In summary, the available evidence is currently insufficient to determine the role of this variant in disease. Therefore, it has been classified as a Variant of Uncertain Significance.

NM_014319.5(LEMD3):c.2365C>T (p.Arg789Trp)

Gene: LEMD3 (LEM domain containing 3; plus strand). Cytogenetic location: 12q14.3.
Variant type: single nucleotide variant.
Coding change: c.2365C>T on transcript NM_014319.5 (MANE Select); coding-DNA position 2365, C replaced by T.
Protein change: p.Arg789Trp; replaces arginine 789 with tryptophan.
Molecular consequence: missense variant.
Genome position (GRCh38, 1-based): chr12:65,243,447, C>T. VCF-style: chr12-65243447-C-T. GRCh37 (hg19) VCF-style: chr12-65637227-C-T.
Other names: c.2362C>T, p.Arg788Trp (NM_001167614.2); short protein forms R788W, R789W.
Identifiers: ClinVar variation 4807991 (VCV004807991.1).